The following is an entry in ClinVar:

ClinVar aggregate classification (germline): Likely benign. Review status: criteria provided, multiple submitters, no conflicts (2 of 4 stars). 2 submissions from 2 submitters: Likely benign (2). Last evaluated 2024-11-11.

Allele frequency attached by ClinVar (database versions not stated): TOPMed 0.00001; gnomAD exomes 0.00006; gnomAD 0.00007; ExAC 0.00019; 1000 Genomes Project 30x 0.00156; 1000 Genomes Project 0.00160.
gnomAD v4.1: 104 of 1,597,516 alleles (0.0065%); highest among the groups gnomAD compares: South Asian, 0.11%; no homozygotes.

Submissions (2):

Blueprint Genetics
Classification: Likely benign. Last evaluated: 2024-11-11. Review status: criteria provided, single submitter. Criteria: ACMG Guidelines, 2015. Collection method: clinical testing. Allele origin: germline.

CeGaT Center for Human Genetics Tuebingen
Classification: Likely benign. Last evaluated: 2024-03-01. Review status: criteria provided, single submitter. Criteria: CeGaT Center For Human Genetics Tuebingen Variant Classification Criteria Version 2. Collection method: clinical testing. Allele origin: germline. Affected: yes. Observed: 1 variant allele.
Comment: FBXW11: BP4, BS1

NM_001378974.1(FBXW11):c.971+7G>C

Gene: FBXW11 (F-box and WD repeat domain containing 11; minus strand). Cytogenetic location: 5q35.1.
Variant type: single nucleotide variant.
Coding change: c.971+7G>C on transcript NM_001378974.1 (MANE Select); 7 bases into the intron after coding-DNA position 971, G replaced by C.
Molecular consequence: intron variant.
Genome position (GRCh38, 1-based): chr5:171,878,004, C>G on the plus strand (G>C on the coding strand, the complement: FBXW11 is on the minus strand). VCF-style: chr5-171878004-C-G. GRCh37 (hg19) VCF-style: chr5-171305008-C-G.
Other names: c.806+7G>C (NM_001378980.1, NM_033645.3); c.869+7G>C (NM_033644.3); c.902+7G>C (NM_001378975.1); c.908+7G>C (NM_012300.3); c.812+7G>C (NM_001378977.1, NM_001378979.1, NM_001378978.1); c.875+7G>C (NM_001378976.1).
Identifiers: ClinVar variation 3067446 (VCV003067446.22), dbSNP rs527935265, ClinGen allele CA3559296.